The following is an entry in ClinVar:

NM_005732.4(RAD50):c.3753-98C>T

Genes: RAD50 (RAD50 double strand break repair protein; plus strand), TH2-LCR (Th2 cytokine locus control region; plus strand), TH2LCRR (T helper type 2 locus control region associated RNA; minus strand). Cytogenetic location: 5q31.1.
Variant type: single nucleotide variant.
Coding change: c.3753-98C>T on transcript NM_005732.4 (MANE Select); 98 bases into the intron before coding-DNA position 3753, C replaced by T.
Molecular consequence: intron variant.
Genome position (GRCh38, 1-based): chr5:132,642,080, C>T. VCF-style: chr5-132642080-C-T. GRCh37 (hg19) VCF-style: chr5-131977772-C-T.
Identifiers: ClinVar variation 1804540 (VCV001804540.1), dbSNP rs112529344, ClinGen allele CA127238068.
Genomic context (GRCh38, chr5:132,642,080, plus strand): 5'-CCTGAAGGCCTGGGGCCACCCCTCCACTTCCTGCAGGGTAGCTGGGGCCCTGACACACAG[C>T]ACAAGTTCATGTGTCTGACAAGGTTTGCGGTGACTTTTCAAATCAAAGAAGGGGTTATGC-3'

ClinVar aggregate classification (germline): Likely benign (1 of 4 stars; one submission).

Allele frequency attached by ClinVar (database versions not stated): 1000 Genomes Project 30x 0.00359; 1000 Genomes Project 0.00379; gnomAD 0.00480; TOPMed 0.00528.
gnomAD v4.1: 1,689 of 1,317,422 alleles (0.13%); highest among the groups gnomAD compares: African/African-American, 1.6%; 11 homozygotes.

Submission:

GeneDx
Classification: Likely benign. Last evaluated: 2018-07-05. Review status: criteria provided, single submitter. Criteria: GeneDx Variant Classification Process June 2021. Collection method: clinical testing. Allele origin: germline. Affected: yes.
Comment: See Variant Classification Assertion Criteria.